The following is an entry in ClinVar:

ClinVar aggregate classification (germline): Uncertain significance (1 of 4 stars; one submission).

Submission:

Labcorp Genetics (formerly Invitae), Labcorp
Classification: Uncertain significance. Last evaluated: 2023-08-17. Review status: criteria provided, single submitter. Criteria: Invitae Variant Classification Sherloc (09022015). Collection method: clinical testing. Allele origin: germline.
Comment: This sequence change replaces alanine, which is neutral and non-polar, with aspartic acid, which is acidic and polar, at codon 382 of the KIF22 protein (p.Ala382Asp). This variant is not present in population databases (gnomAD no frequency). This variant has not been reported in the literature in individuals affected with KIF22-related conditions. ClinVar contains an entry for this variant (Variation ID: 1368307). An algorithm developed to predict the effect of missense changes on protein structure and function (PolyPhen-2) suggests that this variant is likely to be tolerated. In summary, the available evidence is currently insufficient to determine the role of this variant in disease. Therefore, it has been classified as a Variant of Uncertain Significance.

NM_007317.3(KIF22):c.1145C>A (p.Ala382Asp)

Gene: KIF22 (kinesin family member 22; plus strand). Cytogenetic location: 16p11.2.
Variant type: single nucleotide variant.
Coding change: c.1145C>A on transcript NM_007317.3 (MANE Select); coding-DNA position 1145, C replaced by A.
Protein change: p.Ala382Asp; replaces alanine 382 with aspartic acid.
Molecular consequence: missense variant.
Genome position (GRCh38, 1-based): chr16:29,799,913, C>A. VCF-style: chr16-29799913-C-A. GRCh37 (hg19) VCF-style: chr16-29811234-C-A.
Other names: c.941C>A, p.Ala314Asp (NM_001256269.2, NM_001256270.1); short protein forms A314D, A382D.
Identifiers: ClinVar variation 1368307 (VCV001368307.8), dbSNP rs2142374526, ClinGen allele CA395454789.
Genomic context (GRCh38, chr16:29,799,913, plus strand): 5'-ATCAGCACAGAGGCTGACCACCCCCAATCCCTCTCTCCACCCCATCCTCCAATCATCTAG[C>A]CTTGGGACCTGTTAAGCTGTCTCAGAAAGAATTGCTTGGTCCACCAGAGGCAAAGAGAGC-3'
Protein context (NP_015556.1, residues 372-392): PFTNESLQPH[Ala382Asp]LGPVKLSQKE